The following is an entry in ClinVar:

NM_032608.7(MYO18B):c.4632C>G (p.Asp1544Glu)

Genes: MYO18B (myosin XVIIIB; plus strand), MYO18B-AS1 (MYO18B antisense RNA 1; minus strand). Cytogenetic location: 22q12.1.
Variant type: single nucleotide variant.
Coding change: c.4632C>G on transcript NM_032608.7 (MANE Select); coding-DNA position 4632, C replaced by G.
Protein change: p.Asp1544Glu; replaces aspartic acid 1544 with glutamic acid.
Molecular consequence: missense variant.
Genome position (GRCh38, 1-based): chr22:25,895,244, C>G. VCF-style: chr22-25895244-C-G. GRCh37 (hg19) VCF-style: chr22-26291211-C-G.
Other names: c.4635C>G, p.Asp1545Glu (NM_001318245.2); c.4632C>G (NM_032608.5); short protein forms D1544E, D1545E.
Identifiers: ClinVar variation 747465 (VCV000747465.13), dbSNP rs150188738, ClinGen allele CA10160933.

ClinVar aggregate classification (germline): Conflicting classifications of pathogenicity. Review status: criteria provided, conflicting classifications (1 of 4 stars). 4 submissions from 4 submitters: Uncertain significance (1); Benign (3). Last evaluated 2026-08-27.

Conditions:
MYO18B-related disorder. Also called: MYO18B-related condition.
Inborn genetic diseases. Identifiers: MedGen C0950123, MeSH D030342.

Allele frequency attached by ClinVar (database versions not stated): gnomAD exomes 0.00050; ExAC 0.00082; ESP Exome Variant Server 0.00134; TOPMed 0.00204; 1000 Genomes Project 0.00300; 1000 Genomes Project 30x 0.00328.
gnomAD v4.1: 574 of 1,606,766 alleles (0.036%); highest among the groups gnomAD compares: African/African-American, 0.69%; 1 homozygote.

Submissions (4):

PreventionGenetics, part of Exact Sciences
Classification: Benign for MYO18B-related condition. Last evaluated: 2026-08-27. Review status: criteria provided, single submitter. Criteria: ACMG Guidelines, 2015. Collection method: clinical testing. Allele origin: germline.
Comment: This variant is classified as benign based on ACMG/AMP sequence variant interpretation guidelines (Richards et al. 2015 PMID: 25741868, with internal and published modifications).

Labcorp Genetics (formerly Invitae), Labcorp
Classification: Benign. Last evaluated: 2026-01-06. Review status: criteria provided, single submitter. Criteria: Invitae Variant Classification Sherloc (09022015). Collection method: clinical testing. Allele origin: germline.

Ambry Genetics
Classification: Uncertain significance for Inborn genetic diseases. Last evaluated: 2025-03-27. Review status: criteria provided, single submitter. Criteria: Ambry Variant Classification Scheme 2023. Collection method: clinical testing. Allele origin: germline.

Breakthrough Genomics
Classification: Benign. Review status: criteria provided, single submitter. Criteria: ACMG Guidelines, 2015. Collection method: not provided. Allele origin: germline. Inheritance: Autosomal recessive inheritance. Affected: yes.